The following is an entry in ClinVar:

ClinVar aggregate classification (germline): Uncertain significance. Review status: criteria provided, single submitter (1 of 4 stars). 3 submissions from 3 submitters: Uncertain significance (1). 2 of the submissions do not count toward it. Last evaluated 2025-04-15.

Conditions:
Aicardi-Goutieres syndrome 3. Identifiers: Orphanet 51, MedGen C1835916, MONDO:0012471, OMIM 610329.

Allele frequency attached by ClinVar (database versions not stated): ExAC 0.00001; 1000 Genomes Project 30x 0.00016; 1000 Genomes Project 0.00020.

Submissions (3):

Women's Health and Genetics/Laboratory Corporation of America, LabCorp
Classification: Uncertain significance. Last evaluated: 2025-04-15. Review status: criteria provided, single submitter. Criteria: LabCorp Variant Classification Summary - May 2015. Collection method: clinical testing. Allele origin: germline.
Comment: Variant summary: RNASEH2C c.428A>T (p.Lys143Ile) results in a non-conservative amino acid change in the encoded protein sequence. Four of five in-silico tools predict a damaging effect of the variant on protein function. The variant allele was found at a frequency of 8e-06 in 251362 control chromosomes (gnomAD). c.428A>T has been observed in at least one individual affected with Aicardi Goutieres Syndrome and this variant co-segregated with the disease (Crow_2006). These data indicate that the variant may be associated with disease. At least two publications report experimental evidence evaluating an impact on protein function and this variant affected the RNASEH2C function (Chon_2008, Reijns_2010). The following publications have been ascertained in the context of this evaluation (PMID: 19015152, 16845400, 21177854). ClinVar contains an entry for this variant (Variation ID: 1261). Based on the evidence outlined above, the variant was classified as VUS-possibly pathogenic.

Genetics and Genomic Medicine Centre, NeuroGen Healthcare, NeuroGen Healthcare
Classification: Pathogenic. Last evaluated: 2021-07-10. Review status: no assertion criteria provided. Collection method: clinical testing. Allele origin: unknown. Affected: yes. Not counted in ClinVar's aggregate classification.

OMIM
Classification: Pathogenic for AICARDI-GOUTIERES SYNDROME 3. Last evaluated: 2006-08-01. Review status: no assertion criteria provided. Collection method: literature only. Allele origin: germline. Not counted in ClinVar's aggregate classification.

Literature cited by the submitters: PubMed 16845400 (cited by Women's Health and Genetics/Laboratory Corporation of America, LabCorp and OMIM); PubMed 21177854 (cited by Women's Health and Genetics/Laboratory Corporation of America, LabCorp); PubMed 19015152 (cited by Women's Health and Genetics/Laboratory Corporation of America, LabCorp).

NM_032193.4(RNASEH2C):c.428A>T (p.Lys143Ile)

Gene: RNASEH2C (ribonuclease H2 subunit C; minus strand). Cytogenetic location: 11q13.1.
Variant type: single nucleotide variant.
Coding change: c.428A>T on transcript NM_032193.4 (MANE Select); coding-DNA position 428, A replaced by T.
Protein change: p.Lys143Ile; replaces lysine 143 with isoleucine.
Molecular consequence: missense variant.
Genome position (GRCh38, 1-based): chr11:65,720,085, T>A on the plus strand (A>T on the coding strand, the complement: RNASEH2C is on the minus strand). VCF-style: chr11-65720085-T-A. GRCh37 (hg19) VCF-style: chr11-65487556-T-A.
Other names: short protein forms K143I.
Identifiers: ClinVar variation 1261 (VCV000001261.5), dbSNP rs75146158, ClinGen allele CA251722.